The following is an entry in ClinVar:

NM_001267550.2(TTN):c.86809G>T (p.Val28937Leu)

Genes: TTN (titin; minus strand), TTN-AS1 (TTN antisense RNA 1; plus strand). Cytogenetic location: 2q31.2.
Variant type: single nucleotide variant.
Coding change: c.86809G>T on transcript NM_001267550.2 (MANE Select); coding-DNA position 86809, G replaced by T.
Protein change: p.Val28937Leu; replaces valine 28937 with leucine.
Molecular consequence: missense variant.
Genome position (GRCh38, 1-based): chr2:178,559,323, C>A on the plus strand (G>T on the coding strand, the complement: TTN is on the minus strand). VCF-style: chr2-178559323-C-A. GRCh37 (hg19) VCF-style: chr2-179424050-C-A.
Other names: c.81886G>T, p.Val27296Leu (NM_001256850.1); c.59614G>T, p.Val19872Leu (NM_003319.4); c.79105G>T, p.Val26369Leu (NM_133378.4); c.59989G>T, p.Val19997Leu (NM_133432.3); c.60190G>T, p.Val20064Leu (NM_133437.4); short protein forms V19872L, V27296L, V19997L, V28937L, V26369L, V20064L.
Identifiers: ClinVar variation 1750737 (VCV001750737.2), dbSNP rs794727453, ClinGen allele CA349541320.
Genomic context (GRCh38, chr2:178,559,323, plus strand): 5'-AGCAAAATTAACGTGGATATGTAGAATTTCCTTATTCTTAAAACATACCTGTTATTTTTA[C>A]TCCTTCCTTTGTTTCAGCTGGTATACCAACACCAAACTCATTTTCTCCAGAGACTCTGAA-3'
Protein context (NP_001254479.2, residues 28927-28947): VGIPAETKEG[Val28937Leu]KITEKPSPPE

ClinVar aggregate classification (germline): Uncertain significance (1 of 4 stars; one submission).

Conditions:
Cardiovascular phenotype. Identifiers: MedGen CN230736.

Submission:

Ambry Genetics
Classification: Uncertain significance for Cardiovascular phenotype. Last evaluated: 2020-03-24. Review status: criteria provided, single submitter. Criteria: Ambry Variant Classification Scheme 2023. Collection method: clinical testing. Allele origin: germline.
Comment: The p.V19872L variant (also known as c.59614G>T), located in coding exon 153 of the TTN gene, results from a G to T substitution at nucleotide position 59614. The valine at codon 19872 is replaced by leucine, an amino acid with highly similar properties. This amino acid position is not well conserved in available vertebrate species. In addition, this alteration is predicted to be tolerated by in silico analysis. Since supporting evidence is limited at this time, the clinical significance of this alteration remains unclear.